The following is an entry in ClinVar:

ClinVar aggregate classification (germline): Uncertain significance (1 of 4 stars; one submission).

Conditions:
Autosomal dominant nocturnal frontal lobe epilepsy 5. Also called: KCNT1-Related Epilepsy; CILIARY DYSKINESIA, PRIMARY, 28, WITHOUT SITUS INVERSUS; CILIARY DYSKINESIA, PRIMARY, 28, WITH SITUS INVERSUS; Epilepsy, nocturnal frontal lobe, 5. Identifiers: Orphanet 98784, MedGen C3554306, MONDO:0014002, OMIM 615005.
Developmental and epileptic encephalopathy, 14 (DEE14). Also called: Early infantile epileptic encephalopathy 14. Identifiers: Orphanet 293181, MedGen C3554195, MONDO:0013989, OMIM 614959.

Allele frequency attached by ClinVar (database versions not stated): TOPMed below 0.00001; gnomAD 0.00001.

Submission:

Labcorp Genetics (formerly Invitae), Labcorp
Classification: Uncertain significance for Autosomal dominant nocturnal frontal lobe epilepsy 5; Developmental and epileptic encephalopathy, 14. Last evaluated: 2020-04-19. Review status: criteria provided, single submitter. Criteria: Invitae Variant Classification Sherloc (09022015). Collection method: clinical testing. Allele origin: germline.
Comment: In summary, the available evidence is currently insufficient to determine the role of this variant in disease. Therefore, it has been classified as a Variant of Uncertain Significance. Algorithms developed to predict the effect of missense changes on protein structure and function are either unavailable or do not agree on the potential impact of this missense change (SIFT: "Deleterious"; PolyPhen-2: "Benign"; Align-GVGD: "Class C0"). This variant has not been reported in the literature in individuals with KCNT1-related conditions. This variant is not present in population databases (ExAC no frequency). This sequence change replaces arginine with cysteine at codon 18 of the KCNT1 protein (p.Arg18Cys). The arginine residue is weakly conserved and there is a large physicochemical difference between arginine and cysteine.

NM_020822.3(KCNT1):c.52C>T (p.Arg18Cys)

Gene: KCNT1 (potassium sodium-activated channel subfamily T member 1; plus strand). Cytogenetic location: 9q34.3.
Variant type: single nucleotide variant.
Coding change: c.52C>T on transcript NM_020822.3 (MANE Select); coding-DNA position 52, C replaced by T.
Protein change: p.Arg18Cys; replaces arginine 18 with cysteine.
Molecular consequence: missense variant.
Genome position (GRCh38, 1-based): chr9:135,702,310, C>T. VCF-style: chr9-135702310-C-T. GRCh37 (hg19) VCF-style: chr9-138594156-C-T.
Other names: c.52C>T, p.Arg18Cys (NM_001272003.2); short protein forms R18C.
Identifiers: ClinVar variation 1060591 (VCV001060591.9), dbSNP rs1238224961, ClinGen allele CA375492576.